The following is an entry in ClinVar:

ClinVar aggregate classification (germline): Uncertain significance. Review status: criteria provided, multiple submitters, no conflicts (2 of 4 stars). 2 submissions from 2 submitters: Uncertain significance (2). Last evaluated 2022-01-07.

Conditions:
Muscular dystrophy, limb-girdle, autosomal recessive 23. Identifiers: Orphanet 565837, MedGen C4748327, MONDO:0029136, OMIM 618138.
Merosin deficient congenital muscular dystrophy (MDC1A). Also called: Congenital Muscular Dystrophy Type 1A (MDC1A); Congenital merosin-deficient muscular dystrophy 1A. Identifiers: Orphanet 258, MedGen C1263858, MONDO:0011925, OMIM 607855.

Allele frequency attached by ClinVar (database versions not stated): gnomAD exomes 0.00001; TOPMed 0.00001.
gnomAD v4.1: 5 of 1,614,058 alleles (0.00031%); highest among the groups gnomAD compares: Middle Eastern, 0.033%; no homozygotes.

Submissions (2):

Fulgent Genetics
Classification: Uncertain significance for Merosin deficient congenital muscular dystrophy; Muscular dystrophy, limb-girdle, autosomal recessive 23. Last evaluated: 2022-01-07. Review status: criteria provided, single submitter. Criteria: ACMG Guidelines, 2015. Collection method: clinical testing. Allele origin: unknown.

GeneDx
Classification: Uncertain significance. Last evaluated: 2020-01-19. Review status: criteria provided, single submitter. Criteria: GeneDx Variant Classification Process June 2021. Collection method: clinical testing. Allele origin: germline. Affected: yes.
Comment: Not observed at a significant frequency in large population cohorts (Lek et al., 2016); In silico analysis, which includes protein predictors and evolutionary conservation, supports that this variant does not alter protein structure/function; Identified in a patient with dilated cardiomyopathy and sustained ventricular tachycardia episodes who also harbored variants in other heart disease genes in published literature (Sandoudou et al., 2015); This variant is associated with the following publications: (PMID: 26535225)

NM_000426.4(LAMA2):c.9217C>T (p.Leu3073Phe)

Gene: LAMA2 (laminin subunit alpha 2; plus strand). Cytogenetic location: 6q22.33.
Variant type: single nucleotide variant.
Coding change: c.9217C>T on transcript NM_000426.4 (MANE Select); coding-DNA position 9217, C replaced by T.
Protein change: p.Leu3073Phe; replaces leucine 3073 with phenylalanine.
Molecular consequence: missense variant.
Genome position (GRCh38, 1-based): chr6:129,516,195, C>T. VCF-style: chr6-129516195-C-T. GRCh37 (hg19) VCF-style: chr6-129837340-C-T.
Other names: c.9205C>T, p.Leu3069Phe (NM_001079823.2); short protein forms L3069F, L3073F.
Identifiers: ClinVar variation 1311466 (VCV001311466.3), dbSNP rs1315125567, ClinGen allele CA365637192.